The following is an entry in ClinVar:

ClinVar aggregate classification (germline): Uncertain significance (1 of 4 stars; one submission).

Submission:

Labcorp Genetics (formerly Invitae), Labcorp
Classification: Uncertain significance. Last evaluated: 2021-06-24. Review status: criteria provided, single submitter. Criteria: Invitae Variant Classification Sherloc (09022015). Collection method: clinical testing. Allele origin: germline.
Comment: This sequence change replaces glutamic acid with glutamine at codon 597 of the C1S protein (p.Glu597Gln). The glutamic acid residue is moderately conserved and there is a small physicochemical difference between glutamic acid and glutamine. This variant is not present in population databases (ExAC no frequency). This variant has not been reported in the literature in individuals with C1S-related conditions. Algorithms developed to predict the effect of missense changes on protein structure and function output the following: SIFT: "Tolerated"; PolyPhen-2: "Benign"; Align-GVGD: "Class C0". The glutamine amino acid residue is found in multiple mammalian species, suggesting that this missense change does not adversely affect protein function. These predictions have not been confirmed by published functional studies and their clinical significance is uncertain. In summary, the available evidence is currently insufficient to determine the role of this variant in disease. Therefore, it has been classified as a Variant of Uncertain Significance.

NM_001734.5(C1S):c.1789G>C (p.Glu597Gln)

Gene: C1S (complement C1s; plus strand). Cytogenetic location: 12p13.31.
Variant type: single nucleotide variant.
Coding change: c.1789G>C on transcript NM_001734.5 (MANE Select); coding-DNA position 1789, G replaced by C.
Protein change: p.Glu597Gln; replaces glutamic acid 597 with glutamine.
Molecular consequence: missense variant.
Genome position (GRCh38, 1-based): chr12:7,070,373, G>C. VCF-style: chr12-7070373-G-C. GRCh37 (hg19) VCF-style: chr12-7177677-G-C.
Other names: c.1288G>C, p.Glu430Gln (NM_001346850.2); c.1789G>C, p.Glu597Gln (NM_201442.4); short protein forms E597Q, E430Q.
Identifiers: ClinVar variation 1363517 (VCV001363517.8), dbSNP rs2135730572, ClinGen allele CA383706910.